The following is an entry in ClinVar:

NM_006648.4(WNK2):c.1720C>A (p.Gln574Lys)

Gene: WNK2 (WNK lysine deficient protein kinase 2; plus strand). Cytogenetic location: 9q22.31.
Variant type: single nucleotide variant.
Coding change: c.1720C>A on transcript NM_006648.4 (MANE Select); coding-DNA position 1720, C replaced by A.
Protein change: p.Gln574Lys; replaces glutamine 574 with lysine.
Molecular consequence: missense variant.
Genome position (GRCh38, 1-based): chr9:93,247,720, C>A. VCF-style: chr9-93247720-C-A. GRCh37 (hg19) VCF-style: chr9-96010002-C-A.
Other names: c.1720C>A, p.Gln574Lys (NM_001282394.3); short protein forms Q574K.
Identifiers: ClinVar variation 3190617 (VCV003190617.2), dbSNP rs951353462, ClinGen allele CA196415551.

ClinVar aggregate classification (germline): Uncertain significance (1 of 4 stars; one submission).

Allele frequency attached by ClinVar (database versions not stated): gnomAD 0.00004; TOPMed 0.00010.
gnomAD v4.1: 9 of 1,559,508 alleles (0.00058%); highest among the groups gnomAD compares: Admixed American, 0.0057%; no homozygotes.

Submission:

Ambry Genetics
Classification: Uncertain significance. Last evaluated: 2024-10-17. Review status: criteria provided, single submitter. Criteria: Ambry Variant Classification Scheme 2023. Collection method: clinical testing. Allele origin: germline.
Comment: The p.Q574K variant (also known as c.1720C>A), located in coding exon 7 of the WNK2 gene, results from a C to A substitution at nucleotide position 1720. The glutamine at codon 574 is replaced by lysine, an amino acid with similar properties. This amino acid position is conserved. In addition, this alteration is predicted to be tolerated by in silico analysis. Based on the available evidence, the clinical significance of this variant remains unclear.